The following is an entry in ClinVar:

NM_005027.4(PIK3R2):c.609G>C (p.Gly203=)

Genes: PIK3R2 (phosphoinositide-3-kinase regulatory subunit 2; plus strand), LOC130063979 (ATAC-STARR-seq lymphoblastoid silent region 10375; plus strand). Cytogenetic location: 19p13.11.
Variant type: single nucleotide variant.
Coding change: c.609G>C on transcript NM_005027.4 (MANE Select); coding-DNA position 609, G replaced by C.
Protein change: p.Gly203=; no amino-acid change (glycine 203 retained).
Molecular consequence: synonymous variant. On other transcripts: non-coding transcript variant (1).
Genome position (GRCh38, 1-based): chr19:18,161,289, G>C. VCF-style: chr19-18161289-G-C. GRCh37 (hg19) VCF-style: chr19-18272099-G-C.
Identifiers: ClinVar variation 3046739 (VCV003046739.2), dbSNP rs2513561741, ClinGen allele CA506108566.
Genomic context (GRCh38, chr19:18,161,289, plus strand): 5'-GGTGGGAGGGCCCAGGCCTGGCTCACCCTGCCCTGGCCATCTGTCCGCAGAGGCCGCGGG[G>C]CCCGTGGGGCCGGCGCTGGAGCCACCGACGCTGCCGCTGCACCGCGCGCTCACGCTGCGC-3'
Protein context (NP_005018.2, residues 193-213): EARRALREAA[Gly203=]PVGPALEPPT

ClinVar aggregate classification (germline): Likely benign (0 of 4 stars; one submission).

Conditions:
PIK3R2-related disorder. Also called: PIK3R2-related condition.

Submission:

PreventionGenetics, part of Exact Sciences
Classification: Likely benign for PIK3R2-related condition. Last evaluated: 2020-11-13. Review status: no assertion criteria provided. Collection method: clinical testing. Allele origin: germline.
Comment: This variant is classified as likely benign based on ACMG/AMP sequence variant interpretation guidelines (Richards et al. 2015 PMID: 25741868, with internal and published modifications).